The following is an entry in ClinVar:

NM_000512.5(GALNS):c.253G>A (p.Ala85Thr)

Gene: GALNS (galactosamine (N-acetyl)-6-sulfatase; minus strand). Cytogenetic location: 16q24.3.
Variant type: single nucleotide variant.
Coding change: c.253G>A on transcript NM_000512.5 (MANE Select); coding-DNA position 253, G replaced by A.
Protein change: p.Ala85Thr; replaces alanine 85 with threonine.
Molecular consequence: missense variant. On other transcripts: 5 prime UTR variant (1).
Genome position (GRCh38, 1-based): chr16:88,841,963, C>T on the plus strand (G>A on the coding strand, the complement: GALNS is on the minus strand). VCF-style: chr16-88841963-C-T. GRCh37 (hg19) VCF-style: chr16-88908371-C-T.
Other names: c.-303G>A (NM_001323543.2); c.271G>A, p.Ala91Thr (NM_001323544.2); short protein forms A85T, A91T.
Identifiers: ClinVar variation 1048444 (VCV001048444.3), dbSNP rs2143005122, ClinGen allele CA397089398.

ClinVar aggregate classification (germline): Uncertain significance (1 of 4 stars; one submission).

Conditions:
Mucopolysaccharidosis, MPS-IV-A (MPS4A). Also called: Mucopolysaccharidosis type IV A; Mucopolysaccharidosis Type IVA; Morquio syndrome A, mild; MORQUIO SYNDROME A; MPS IVA; mucopolysaccharidosis type 4A. Identifiers: Orphanet 309297, Orphanet 582, MedGen C0086651, MONDO:0009659, OMIM 253000.

Submission:

Laboratory of Diagnosis and Therapy of Lysosomal Disorders, University of Padova
Classification: Uncertain significance for Mucopolysaccharidosis, MPS-IV-A. Last evaluated: 2021-02-01. Review status: criteria provided, single submitter. Criteria: ACMG Guidelines, 2015. Collection method: curation. Allele origin: germline. Affected: yes.
Comment: Absent from gnomAD v2.1.1 (PM2_moderate); multiple lines of computational evidence support a deleterious effect on the gene (PP3_supporting)

Literature cited by the submitters: PubMed 21896407; PubMed 27317439; PubMed 34387910.